The following is an entry in ClinVar:

NM_001005273.3(CHD3):c.715C>T (p.Pro239Ser)

Gene: CHD3 (chromodomain helicase DNA binding protein 3; plus strand). Cytogenetic location: 17p13.1.
Variant type: single nucleotide variant.
Coding change: c.715C>T on transcript NM_001005273.3 (MANE Select); coding-DNA position 715, C replaced by T.
Protein change: p.Pro239Ser; replaces proline 239 with serine.
Molecular consequence: missense variant.
Genome position (GRCh38, 1-based): chr17:7,893,491, C>T. VCF-style: chr17-7893491-C-T. GRCh37 (hg19) VCF-style: chr17-7796809-C-T.
Other names: c.892C>T (NM_001005271.2); c.892C>T, p.Pro298Ser (NM_001437504.1, NM_001437507.1, NM_001437508.1 and 2 more transcripts); c.715C>T, p.Pro239Ser (NM_005852.4); short protein forms P239S, P298S.
Identifiers: ClinVar variation 4821736 (VCV004821736.5).

ClinVar aggregate classification (germline): Conflicting classifications of pathogenicity. Review status: criteria provided, conflicting classifications (1 of 4 stars). 2 submissions from 2 submitters: Uncertain significance (1); Likely benign (1). Last evaluated 2026-01-29.

Conditions:
CHD3-related disorder. Also called: CHD3-related condition.

gnomAD v4.1: 8 of 1,411,382 alleles (0.00057%); highest among the groups gnomAD compares: East Asian, 0.0047%; no homozygotes.

Submissions (2):

PreventionGenetics, part of Exact Sciences
Classification: Uncertain significance for CHD3-related condition. Last evaluated: 2026-01-29. Review status: criteria provided, single submitter. Criteria: ACMG Guidelines, 2015. Collection method: clinical testing. Allele origin: germline.
Comment: The CHD3 c.892C>T variant is predicted to result in the amino acid substitution p.Pro298Ser. To our knowledge, this variant has not been reported in the literature. This variant is reported in 0.0060% of alleles in individuals of East Asian descent in gnomAD. At this time, the clinical significance of this variant is uncertain due to the absence of conclusive functional and genetic evidence.

CeGaT Center for Human Genetics Tuebingen
Classification: Likely benign. Last evaluated: 2026-01-01. Review status: criteria provided, single submitter. Criteria: CeGaT Center For Human Genetics Tuebingen Variant Classification Criteria Version 2. Collection method: clinical testing. Allele origin: germline. Affected: yes. Observed: 1 variant allele.
Comment: CHD3: BP4